The following is an entry in ClinVar:

ClinVar aggregate classification (germline): Pathogenic (1 of 4 stars; one submission).

Submission:

Labcorp Genetics (formerly Invitae), Labcorp
Classification: Pathogenic. Last evaluated: 2023-03-17. Review status: criteria provided, single submitter. Criteria: Invitae Variant Classification Sherloc (09022015). Collection method: clinical testing. Allele origin: germline.
Comment: For these reasons, this variant has been classified as Pathogenic. This variant has not been reported in the literature in individuals affected with PEPD-related conditions. This sequence change creates a premature translational stop signal (p.Phe23Cysfs*9) in the PEPD gene. It is expected to result in an absent or disrupted protein product. Loss-of-function variants in PEPD are known to be pathogenic (PMID: 8198124, 10721675, 12384772, 17142620). This variant is present in population databases (rs754287293, gnomAD 0.006%).

Literature cited by the submitters: PubMed 8198124; PubMed 10721675; PubMed 12384772; PubMed 17142620.

NM_000285.4(PEPD):c.68_69del (p.Phe23fs)

Gene: PEPD (peptidase D; minus strand). Cytogenetic location: 19q13.11.
Variant type: Deletion.
Coding change: c.68_69del on transcript NM_000285.4 (MANE Select); coding-DNA positions 68 to 69, 2 bases deleted (TT; older notation c.68_69delTT).
Protein change: p.Phe23fs; shifts the reading frame from phenylalanine 23.
Molecular consequence: frameshift variant.
Genome position (GRCh38, 1-based): chr19:33,512,725-33,512,726, AA deleted on the plus strand (TT on the coding strand, the reverse complement: PEPD is on the minus strand); deleting any 2 consecutive bases within chr19:33,512,725-33,512,727 gives the same sequence; the c. name uses the placement nearest the transcript's 3' end. VCF-style (leftmost placement, unchanged base first): chr19-33512724-CAA-C. GRCh37 (hg19) VCF-style: chr19-34003630-CAA-C.
Other names: c.68_69del, p.Phe23fs (NM_001166056.2, NM_001166057.2); short protein forms F23fs.
Identifiers: ClinVar variation 2900634 (VCV002900634.3), dbSNP rs754287293, ClinGen allele CA9364503.